The following is an entry in ClinVar:

ClinVar aggregate classification (germline): Uncertain significance (1 of 4 stars; one submission).

Allele frequency attached by ClinVar (database versions not stated): gnomAD exomes below 0.00001.
gnomAD v4.1: 4 of 1,609,254 alleles (0.00025%); highest among the groups gnomAD compares: Middle Eastern, 0.017%; no homozygotes.

Submission:

CeGaT Center for Human Genetics Tuebingen
Classification: Uncertain significance. Last evaluated: 2023-07-01. Review status: criteria provided, single submitter. Criteria: CeGaT Center For Human Genetics Tuebingen Variant Classification Criteria Version 2. Collection method: clinical testing. Allele origin: germline. Affected: yes. Observed: 1 variant allele.
Comment: DYSF: PM2, BP4

NM_001130987.2(DYSF):c.3897+6G>A

Gene: DYSF (dysferlin; plus strand). Cytogenetic location: 2p13.2.
Variant type: single nucleotide variant.
Coding change: c.3897+6G>A on transcript NM_001130987.2 (MANE Select); 6 bases into the intron after coding-DNA position 3897, G replaced by A.
Molecular consequence: intron variant.
Genome position (GRCh38, 1-based): chr2:71,600,848, G>A. VCF-style: chr2-71600848-G-A. GRCh37 (hg19) VCF-style: chr2-71827978-G-A.
Other names: c.3936+6G>A (NM_001130979.2); c.3894+6G>A (NM_001130981.2, NM_001130980.2); c.3843+6G>A (NM_001130978.2, NM_003494.4); c.3801+6G>A (NM_001130977.2, NM_001130976.2); c.3939+6G>A (NM_001130982.2); c.3897+6G>A (NM_001130985.2); c.3846+6G>A (NM_001130983.2, NM_001130455.2); c.3804+6G>A (NM_001130984.2, NM_001130986.2).
Identifiers: ClinVar variation 2651024 (VCV002651024.24), dbSNP rs2546062233, ClinGen allele CA2659551879.
Genomic context (GRCh38, chr2:71,600,848, plus strand): 5'-CAGCCAGCCGTCGGGGGAGCTGCTGGCCTCTTTTGAGCTCATCCAGAGAGAGAAGGTGAG[G>A]CTGGTCTATATCCAGATCCAGGAGGCCCAGGCAGGAGTGGGGTGGGGGCCAACCCTCTGT-3'